The following is an entry in ClinVar:

NM_001364905.1(LRBA):c.5646-2A>T

Gene: LRBA (LPS responsive beige-like anchor protein; minus strand). Cytogenetic location: 4q31.3.
Variant type: single nucleotide variant.
Coding change: c.5646-2A>T on transcript NM_001364905.1 (MANE Select); the canonical splice acceptor site of the intron before coding-DNA position 5646, A replaced by T.
Molecular consequence: splice acceptor variant.
Genome position (GRCh38, 1-based): chr4:150,735,368, T>A on the plus strand (A>T on the coding strand, the complement: LRBA is on the minus strand). VCF-style: chr4-150735368-T-A. GRCh37 (hg19) VCF-style: chr4-151656520-T-A.
Other names: c.5646-2A>T (NM_001367550.1, NM_006726.5, NM_001199282.3 and 2 more transcripts).
Identifiers: ClinVar variation 1495928 (VCV001495928.21), dbSNP rs1297757024, ClinGen allele CA358607845.

ClinVar aggregate classification (germline): Pathogenic. Review status: criteria provided, multiple submitters, no conflicts (2 of 4 stars). 2 submissions from 2 submitters: Pathogenic (2). Last evaluated 2025-02-01.

Conditions:
Combined immunodeficiency due to LRBA deficiency. Also called: Common variable immunodeficiency 8, with autoimmunity. Identifiers: Orphanet 445018, MedGen C3553512, MONDO:0013863, OMIM 614700.

Allele frequency attached by ClinVar (database versions not stated): gnomAD exomes below 0.00001; TOPMed below 0.00001; gnomAD 0.00001.
gnomAD v4.1: 1 of 1,575,990 alleles (0.000063%); highest among the groups gnomAD compares: Non-Finnish European, 0.000087%; no homozygotes.

Submissions (2):

CeGaT Center for Human Genetics Tuebingen
Classification: Pathogenic. Last evaluated: 2025-02-01. Review status: criteria provided, single submitter. Criteria: CeGaT Center For Human Genetics Tuebingen Variant Classification Criteria Version 2. Collection method: clinical testing. Allele origin: germline. Affected: yes. Observed: 1 variant allele.
Comment: LRBA: PVS1, PM2

Labcorp Genetics (formerly Invitae), Labcorp
Classification: Pathogenic for Combined immunodeficiency due to LRBA deficiency. Last evaluated: 2024-05-20. Review status: criteria provided, single submitter. Criteria: Invitae Variant Classification Sherloc (09022015). Collection method: clinical testing. Allele origin: germline.
Comment: This sequence change affects an acceptor splice site in intron 35 of the LRBA gene. It is expected to disrupt RNA splicing. Variants that disrupt the donor or acceptor splice site typically lead to a loss of protein function (PMID: 16199547), and loss-of-function variants in LRBA are known to be pathogenic (PMID: 26206937, 26768763). This variant is present in population databases (no rsID available, gnomAD 0.0009%). Disruption of this splice site has been observed in individual(s) with clinical features of LRBA-related conditions (Invitae). In at least one individual the data is consistent with being in trans (on the opposite chromosome) from a pathogenic variant. ClinVar contains an entry for this variant (Variation ID: 1495928). Algorithms developed to predict the effect of sequence changes on RNA splicing suggest that this variant may disrupt the consensus splice site. For these reasons, this variant has been classified as Pathogenic.

Literature cited by the submitters: PubMed 16199547 (cited by Labcorp Genetics (formerly Invitae), Labcorp); PubMed 26206937 (cited by Labcorp Genetics (formerly Invitae), Labcorp); PubMed 26768763 (cited by Labcorp Genetics (formerly Invitae), Labcorp).